The following is an entry in ClinVar:

ClinVar aggregate classification (germline): Likely benign. Review status: criteria provided, single submitter (1 of 4 stars). 2 submissions from 2 submitters: Likely benign (1). 1 of the submissions does not count toward it. Last evaluated 2024-12-15.

Conditions:
ADAMTS18-related disorder. Also called: ADAMTS18-related condition.

gnomAD v4.1: 8 of 1,613,888 alleles (0.0005%); highest among the groups gnomAD compares: African/African-American, 0.008%; no homozygotes.

Submissions (2):

Labcorp Genetics (formerly Invitae), Labcorp
Classification: Likely benign. Last evaluated: 2024-12-15. Review status: criteria provided, single submitter. Criteria: Invitae Variant Classification Sherloc (09022015). Collection method: clinical testing. Allele origin: germline.

PreventionGenetics, part of Exact Sciences
Classification: Likely benign for ADAMTS18-related condition. Last evaluated: 2019-02-18. Review status: no assertion criteria provided. Collection method: clinical testing. Allele origin: germline. Not counted in ClinVar's aggregate classification.
Comment: This variant is classified as likely benign based on ACMG/AMP sequence variant interpretation guidelines (Richards et al. 2015 PMID: 25741868, with internal and published modifications).

NM_199355.4(ADAMTS18):c.195G>T (p.Thr65=)

Gene: ADAMTS18 (ADAM metallopeptidase with thrombospondin type 1 motif 18; minus strand). Cytogenetic location: 16q23.1.
Variant type: single nucleotide variant.
Coding change: c.195G>T on transcript NM_199355.4 (MANE Select); coding-DNA position 195, G replaced by T.
Protein change: p.Thr65=; no amino-acid change (threonine 65 retained).
Molecular consequence: synonymous variant. On other transcripts: 5 prime UTR variant (1).
Genome position (GRCh38, 1-based): chr16:77,431,595, C>A on the plus strand (G>T on the coding strand, the complement: ADAMTS18 is on the minus strand). VCF-style: chr16-77431595-C-A. GRCh37 (hg19) VCF-style: chr16-77465492-C-A.
Other names: c.-326G>T (NM_001326358.2).
Identifiers: ClinVar variation 3057354 (VCV003057354.4), dbSNP rs781013915, ClinGen allele CA496670711.